The following is an entry in ClinVar:

ClinVar aggregate classification (germline): Pathogenic (1 of 4 stars; one submission).

Conditions:
Telangiectasia, hereditary hemorrhagic, type 2 (HHT2). Also called: Telangiectasia, hereditary hemorrhagic, type II; ACVRL1-Related Hereditary Hemorrhagic Telangiectasia. Identifiers: Orphanet 774, MedGen C1838163, MONDO:0010880, OMIM 600376. Disease mechanism: loss of function.

Submission:

Labcorp Genetics (formerly Invitae), Labcorp
Classification: Pathogenic for Telangiectasia, hereditary hemorrhagic, type 2. Last evaluated: 2024-11-06. Review status: criteria provided, single submitter. Criteria: Invitae Variant Classification Sherloc (09022015). Collection method: clinical testing. Allele origin: germline.
Comment: This sequence change affects an acceptor splice site in intron 9 of the ACVRL1 gene. While this variant is not anticipated to result in nonsense mediated decay, it likely alters RNA splicing and results in a disrupted protein product. This variant is not present in population databases (gnomAD no frequency). Disruption of this splice site has been observed in individuals with hereditary hemorrhagic telangiectasia (PMID: 16542389, 18673552; internal data). Variants that disrupt the consensus splice site are a relatively common cause of aberrant splicing (PMID: 17576681, 9536098). Algorithms developed to predict the effect of sequence changes on RNA splicing suggest that this variant may disrupt the consensus splice site. For these reasons, this variant has been classified as Pathogenic.

Literature cited by the submitters: PubMed 16542389; PubMed 18673552; PubMed 17576681; PubMed 9536098.

NM_000020.3(ACVRL1):c.1378-1G>C

Gene: ACVRL1 (activin A receptor like type 1; plus strand). Cytogenetic location: 12q13.13.
Variant type: single nucleotide variant.
Coding change: c.1378-1G>C on transcript NM_000020.3 (MANE Select); the canonical splice acceptor site of the intron before coding-DNA position 1378, G replaced by C.
Molecular consequence: splice acceptor variant.
Genome position (GRCh38, 1-based): chr12:51,920,758, G>C. VCF-style: chr12-51920758-G-C. GRCh37 (hg19) VCF-style: chr12-52314542-G-C.
Other names: c.1378-1G>C (NM_001406487.1, NM_001077401.2); c.1066-1G>C (NM_001406491.1, NM_001406492.1); c.1222-1G>C (NM_001406490.1); c.868-1G>C (NM_001406494.1); c.814-1G>C (NM_001406495.1).
Identifiers: ClinVar variation 3724736 (VCV003724736.2).